The following is an entry in ClinVar:

ClinVar aggregate classification (germline): Conflicting classifications of pathogenicity. Review status: criteria provided, conflicting classifications (1 of 4 stars). 5 submissions from 5 submitters: Uncertain significance (2); Likely benign (3). Last evaluated 2026-01-31.

Conditions:
Hypercholesterolemia, autosomal dominant, type B (FHCL2). Also called: Familial Hypercholesterolemia Type B; Hyperlipoproteinemia Type IIb; Familial hypercholesterolemia 2; APOB-Related Familial Hypercholesterolemia, Autosomal Dominant; APOLIPOPROTEIN B-100, FAMILIAL DEFECTIVE; APOLIPOPROTEIN B-100, FAMILIAL LIGAND-DEFECTIVE. Identifiers: MedGen C1704417, MONDO:0007751, OMIM 144010.
Familial hypobetalipoproteinemia 1. Also called: APOB-Related Familial Hypobetalipoproteinemia; Hypobetalipoproteinemia, normotriglyceridemic; Acanthocytosis with hypobetalipoproteinemia. Identifiers: MedGen C4551990, MONDO:0014252, OMIM 615558.
Cardiovascular phenotype. Identifiers: MedGen CN230736.

Allele frequency attached by ClinVar (database versions not stated): gnomAD 0.00006; ExAC 0.00011; gnomAD exomes 0.00013; TOPMed 0.00014; ESP Exome Variant Server 0.00023.
gnomAD v4.1: 191 of 1,613,922 alleles (0.012%); highest among the groups gnomAD compares: Middle Eastern, 0.033%; 1 homozygote.

Submissions (5):

Labcorp Genetics (formerly Invitae), Labcorp
Classification: Likely benign for Familial hypobetalipoproteinemia 1; Hypercholesterolemia, autosomal dominant, type B. Last evaluated: 2026-01-31. Review status: criteria provided, single submitter. Criteria: Invitae Variant Classification Sherloc (09022015). Collection method: clinical testing. Allele origin: germline.

CeGaT Center for Human Genetics Tuebingen
Classification: Likely benign. Last evaluated: 2025-04-01. Review status: criteria provided, single submitter. Criteria: CeGaT Center For Human Genetics Tuebingen Variant Classification Criteria Version 2. Collection method: clinical testing. Allele origin: germline. Affected: yes. Observed: 3 variant alleles.
Comment: APOB: BP4

Ambry Genetics
Classification: Likely benign for Cardiovascular phenotype. Last evaluated: 2025-03-04. Review status: criteria provided, single submitter. Criteria: Ambry Variant Classification Scheme 2023. Collection method: clinical testing. Allele origin: germline.

Quest Diagnostics Nichols Institute San Juan Capistrano
Classification: Uncertain significance. Last evaluated: 2025-02-01. Review status: criteria provided, single submitter. Criteria: Quest Diagnostics criteria. Collection method: clinical testing. Allele origin: unknown.
Comment: The APOB c.8134C>T (p.Arg2712Cys) variant has not been reported in individuals with APOB-related conditions in the published literature. The frequency of this variant in the general population (Genome Aggregation Database) is uninformative in the assessment of its pathogenicity. Analysis of this variant using bioinformatics tools for the prediction of the effect of amino acid changes on protein structure and function yielded predictions that this variant is benign. Based on the available information, we are unable to determine the clinical significance of this variant.

GeneDx
Classification: Uncertain significance. Last evaluated: 2022-06-07. Review status: criteria provided, single submitter. Criteria: GeneDx Variant Classification Process June 2021. Collection method: clinical testing. Allele origin: germline. Affected: yes.
Comment: In silico analysis supports that this missense variant does not alter protein structure/function; Has not been previously published as pathogenic or benign to our knowledge

NM_000384.3(APOB):c.8134C>T (p.Arg2712Cys)

Gene: APOB (apolipoprotein B; minus strand). Cytogenetic location: 2p24.1.
Variant type: single nucleotide variant.
Coding change: c.8134C>T on transcript NM_000384.3 (MANE Select); coding-DNA position 8134, C replaced by T.
Protein change: p.Arg2712Cys; replaces arginine 2712 with cysteine.
Molecular consequence: missense variant.
Genome position (GRCh38, 1-based): chr2:21,008,734, G>A on the plus strand (C>T on the coding strand, the complement: APOB is on the minus strand). VCF-style: chr2-21008734-G-A. GRCh37 (hg19) VCF-style: chr2-21231606-G-A.
Other names: short protein forms R2712C.
Identifiers: ClinVar variation 630608 (VCV000630608.49), dbSNP rs372245645, ClinGen allele CA065193.